The following is an entry in ClinVar:

ClinVar aggregate classification (germline): Benign/Likely benign. Review status: criteria provided, multiple submitters, no conflicts (2 of 4 stars). 5 submissions from 5 submitters: Benign (1); Likely benign (4). Last evaluated 2025-05-09.

Conditions:
Cataract 18 (CATC2). Also called: CATARACT 18, AUTOSOMAL RECESSIVE. Identifiers: Orphanet 91492, Orphanet 98991, Orphanet 98992, Orphanet 98995, MedGen C1864908, MONDO:0012395, OMIM 610019.

Allele frequency attached by ClinVar (database versions not stated): gnomAD exomes 0.00034 and 0.00077; ExAC 0.00075; 1000 Genomes Project 0.00240; gnomAD 0.00243 and 0.00264; TOPMed 0.00272; 1000 Genomes Project 30x 0.00281; ESP Exome Variant Server 0.00315.

Submissions (5):

Labcorp Genetics (formerly Invitae), Labcorp
Classification: Benign for Cataract 18. Last evaluated: 2025-05-09. Review status: criteria provided, single submitter. Criteria: Invitae Variant Classification Sherloc (09022015). Collection method: clinical testing. Allele origin: germline.

Blueprint Genetics
Classification: Likely benign. Last evaluated: 2024-09-27. Review status: criteria provided, single submitter. Criteria: ACMG Guidelines, 2015. Collection method: clinical testing. Allele origin: germline.

GeneDx
Classification: Likely benign. Last evaluated: 2021-06-09. Review status: criteria provided, single submitter. Criteria: GeneDx Variant Classification Process June 2021. Collection method: clinical testing. Allele origin: germline. Affected: yes.
Comment: This variant is associated with the following publications: (PMID: 27535533)

Illumina Laboratory Services, Illumina
Classification: Likely benign for Cataract 18. Last evaluated: 2018-01-12. Review status: criteria provided, single submitter. Criteria: ICSL Variant Classification Criteria 13 December 2019. Collection method: clinical testing. Allele origin: germline.
Comment: This variant was observed in the ICSL laboratory as part of a predisposition screen in an ostensibly healthy population. It had not been previously curated by ICSL or reported in the Human Gene Mutation Database (HGMD: prior to June 1st, 2018), and was therefore a candidate for classification through an automated scoring system. Utilizing variant allele frequency, disease prevalence and penetrance estimates, and inheritance mode, an automated score was calculated to assess if this variant is too frequent to cause the disease. Based on the score and internal cut-off values, a variant classified as likely benign is not then subjected to further curation. The score for this variant resulted in a classification of likely benign for this disease.

Breakthrough Genomics
Classification: Likely benign. Review status: criteria provided, single submitter. Criteria: ACMG Guidelines, 2015. Collection method: not provided. Allele origin: germline. Inheritance: Autosomal recessive inheritance. Affected: yes.

NM_024513.4(FYCO1):c.2814G>A (p.Glu938=)

Gene: FYCO1 (FYVE and coiled-coil domain autophagy adaptor 1; minus strand). Cytogenetic location: 3p21.31.
Variant type: single nucleotide variant.
Coding change: c.2814G>A on transcript NM_024513.4 (MANE Select); coding-DNA position 2814, G replaced by A.
Protein change: p.Glu938=; no amino-acid change (glutamic acid 938 retained).
Molecular consequence: synonymous variant.
Genome position (GRCh38, 1-based): chr3:45,966,520, C>T on the plus strand (G>A on the coding strand, the complement: FYCO1 is on the minus strand). VCF-style: chr3-45966520-C-T. GRCh37 (hg19) VCF-style: chr3-46008012-C-T.
Identifiers: ClinVar variation 703774 (VCV000703774.17), dbSNP rs116798205, ClinGen allele CA2352959.